The following is an entry in ClinVar:

NM_015021.3(ZNF292):c.4035dup (p.Asp1346fs)

Gene: ZNF292 (zinc finger protein 292; plus strand). Cytogenetic location: 6q14.3.
Variant type: Duplication.
Coding change: c.4035dup on transcript NM_015021.3 (MANE Select); coding-DNA position 4035, one base duplicated (A; older notation c.4035dupA).
Protein change: p.Asp1346fs; shifts the reading frame from aspartic acid 1346.
Molecular consequence: frameshift variant.
Genome position (GRCh38, 1-based): chr6:87,257,664, A duplicated; the last of 6 consecutive A bases (chr6:87,257,659-87,257,664); duplicating any one gives the same sequence. VCF-style (leftmost placement, unchanged base first): chr6-87257658-T-TA. GRCh37 (hg19) VCF-style: chr6-87967376-T-TA.
Other names: c.3615dup, p.Asp1206fs (NM_001351444.2); short protein forms D1206fs, D1346fs.
Identifiers: ClinVar variation 4822881 (VCV004822881.4).

ClinVar aggregate classification (germline): Likely pathogenic (1 of 4 stars; one submission).

Submission:

CeGaT Center for Human Genetics Tuebingen
Classification: Likely pathogenic. Last evaluated: 2026-01-01. Review status: criteria provided, single submitter. Criteria: CeGaT Center For Human Genetics Tuebingen Variant Classification Criteria Version 2. Collection method: clinical testing. Allele origin: germline. Affected: yes. Observed: 1 variant allele.
Comment: ZNF292: PVS1:Strong, PM2